The following is an entry in ClinVar:

ClinVar aggregate classification (germline): Uncertain significance. Review status: criteria provided, multiple submitters, no conflicts (2 of 4 stars). 2 submissions from 2 submitters: Uncertain significance (2). Last evaluated 2025-05-01.

gnomAD v4.1: 3 of 1,613,808 alleles (0.00019%); highest among the groups gnomAD compares: Non-Finnish European, 0.00017%; no homozygotes.

Submissions (2):

CeGaT Center for Human Genetics Tuebingen
Classification: Uncertain significance. Last evaluated: 2025-05-01. Review status: criteria provided, single submitter. Criteria: CeGaT Center For Human Genetics Tuebingen Variant Classification Criteria Version 2. Collection method: clinical testing. Allele origin: germline. Affected: yes. Observed: 1 variant allele.
Comment: NRXN1: PM2

GeneDx
Classification: Uncertain significance. Last evaluated: 2023-12-17. Review status: criteria provided, single submitter. Criteria: GeneDx Variant Classification Process June 2021. Collection method: clinical testing. Allele origin: germline. Affected: yes.
Comment: Not observed at significant frequency in large population cohorts (gnomAD); In silico analysis supports that this missense variant has a deleterious effect on protein structure/function; Has not been previously published as pathogenic or benign to our knowledge

NM_001330078.2(NRXN1):c.1666A>G (p.Met556Val)

Gene: NRXN1 (neurexin 1; minus strand). Cytogenetic location: 2p16.3.
Variant type: single nucleotide variant.
Coding change: c.1666A>G on transcript NM_001330078.2 (MANE Select); coding-DNA position 1666, A replaced by G.
Protein change: p.Met556Val; replaces methionine 556 with valine.
Molecular consequence: missense variant.
Genome position (GRCh38, 1-based): chr2:50,552,680, T>C on the plus strand (A>G on the coding strand, the complement: NRXN1 is on the minus strand). VCF-style: chr2-50552680-T-C. GRCh37 (hg19) VCF-style: chr2-50779818-T-C.
Other names: c.1786A>G, p.Met596Val (NM_001135659.3); c.1642A>G, p.Met548Val (NM_001330077.2, NM_001330082.2, NM_001330095.2); c.1627A>G, p.Met543Val (NM_001330083.2, NM_001330084.2); c.1666A>G, p.Met556Val (NM_001330085.2, NM_001330086.2, NM_004801.6); c.1582A>G, p.Met528Val (NM_001330087.2, NM_001330096.2); c.1612A>G, p.Met538Val (NM_001330088.2); c.1663A>G, p.Met555Val (NM_001330093.2); c.1654A>G, p.Met552Val (NM_001330094.2); short protein forms M528V, M538V, M543V, M548V, M552V, M555V, M556V, M596V.
Identifiers: ClinVar variation 3365625 (VCV003365625.7).